The following is an entry in ClinVar:

ClinVar aggregate classification (germline): Uncertain significance (1 of 4 stars; one submission).

Submission:

Labcorp Genetics (formerly Invitae), Labcorp
Classification: Uncertain significance. Last evaluated: 2023-08-11. Review status: criteria provided, single submitter. Criteria: Invitae Variant Classification Sherloc (09022015). Collection method: clinical testing. Allele origin: germline.
Comment: In summary, the available evidence is currently insufficient to determine the role of this variant in disease. Therefore, it has been classified as a Variant of Uncertain Significance. An algorithm developed to predict the effect of missense changes on protein structure and function (PolyPhen-2) suggests that this variant is likely to be tolerated. This variant has not been reported in the literature in individuals affected with PMP2-related conditions. This variant is not present in population databases (gnomAD no frequency). This sequence change replaces glycine, which is neutral and non-polar, with alanine, which is neutral and non-polar, at codon 100 of the PMP2 protein (p.Gly100Ala).

NM_002677.5(PMP2):c.299G>C (p.Gly100Ala)

Gene: PMP2 (peripheral myelin protein 2; minus strand). Cytogenetic location: 8q21.13.
Variant type: single nucleotide variant.
Coding change: c.299G>C on transcript NM_002677.5 (MANE Select); coding-DNA position 299, G replaced by C.
Protein change: p.Gly100Ala; replaces glycine 100 with alanine.
Molecular consequence: missense variant.
Genome position (GRCh38, 1-based): chr8:81,444,549, C>G on the plus strand (G>C on the coding strand, the complement: PMP2 is on the minus strand). VCF-style: chr8-81444549-C-G. GRCh37 (hg19) VCF-style: chr8-82356784-C-G.
Other names: c.126G>C, p.Trp42Cys (NM_001348381.2); short protein forms W42C, G100A.
Identifiers: ClinVar variation 2751920 (VCV002751920.3), dbSNP rs2487480993, ClinGen allele CA371517306.
Genomic context (GRCh38, chr8:81,444,549, plus strand): 5'-GATACTCTTACCGCTACCATTTTCCCATTCACTAGCTTTCTCTTTATGGTTGTCTCTTTG[C>G]CATCCCATCTCTGCACTTGATTCAGTGATCCTCTCTGCAGGGTTACGATGCTCTGCAAAG-3'
Protein context (NP_002668.1, residues 90-110): GSLNQVQRWD[Gly100Ala]KETTIKRKLV